The following is an entry in ClinVar:

GRCh37/hg19 5q14.3(chr5:87547243-90371586)x1

Genes: ADGRV1 (adhesion G protein-coupled receptor V1; plus strand), CETN3 (centrin 3; minus strand), LYSMD3 (LysM domain containing 3; minus strand), MBLAC2 (metallo-beta-lactamase domain containing 2; minus strand), MEF2C (myocyte enhancer factor 2C; minus strand) and 3 more. Cytogenetic location: 5q14.3.
Variant type: copy number loss.
Change: copy number 1 (one copy instead of two) of chr5:87,547,243-90,371,586 (2.82 Mb, GRCh37 coordinates, 1-based), cytogenetic band 5q14.3.
Identifiers: ClinVar variation 4682634 (VCV004682634.1).

ClinVar aggregate classification (germline): Pathogenic (1 of 4 stars; one submission).

Submission:

Quest Diagnostics Nichols Institute San Juan Capistrano
Classification: Pathogenic. Last evaluated: 2024-09-05. Review status: criteria provided, single submitter. Criteria: ACMG/ClinGen CNV Guidelines, 2019. Collection method: clinical testing. Allele origin: unknown.
Comment: This loss involves at least 7 protein-coding genes, including MEF2C (OMIM 600662). Haploinsufficiency of MEF2C is associated with autosomal dominant neurodevelopmental disorder with hypotonia, stereotypic hand movements, and impaired language (NEDHSIL; OMIM 613443, Rehm 2015) and has been implicated as causative of many features of the chromosome 5q14.3 deletion syndrome (Park 2017, Vrecar 2017). There are no similar copy number losses of this region in the general populations of the Database of Genomic Variants. Therefore, this copy number variant (CNV) is classified as pathogenic. References: Park et al., Pediatr Dermatol. 2017 Mar;34(2):156-159. PMID: 28297145 Rehm et al., N Engl J Med. 2015 Jun 4;372(23):2235-42. PMID: 26014595 Vrecar et al., J Pediatr Genet. 2017 Sep;6(3):129-141. PMID: 28794905